The following is an entry in ClinVar:

NM_012431.3(SEMA3E):c.1892G>A (p.Arg631Lys)

Gene: SEMA3E (semaphorin 3E; minus strand). Cytogenetic location: 7q21.11.
Variant type: single nucleotide variant.
Coding change: c.1892G>A on transcript NM_012431.3 (MANE Select); coding-DNA position 1892, G replaced by A.
Protein change: p.Arg631Lys; replaces arginine 631 with lysine.
Molecular consequence: missense variant.
Genome position (GRCh38, 1-based): chr7:83,368,022, C>T on the plus strand (G>A on the coding strand, the complement: SEMA3E is on the minus strand). VCF-style: chr7-83368022-C-T. GRCh37 (hg19) VCF-style: chr7-82997338-C-T.
Other names: c.1892G>A (NM_012431.2); c.1712G>A, p.Arg571Lys (NM_001178129.2); short protein forms R571K, R631K.
Identifiers: ClinVar variation 1007643 (VCV001007643.11), dbSNP rs553630404, ClinGen allele CA4321860.
Genomic context (GRCh38, chr7:83,368,022, plus strand): 5'-GTCCCAGCATCTGATTTGTGTAACCTTAGGAAGAGTAAACCAAGGTCCATCTTAACCACT[C>T]TGTCATCTGTCTTCACCTGCAAAAACAAAAAAGTAAATGGCACTGAAGTACACAGGAGAG-3'
Protein context (NP_036563.1, residues 621-641): TRKEEVKTDD[Arg631Lys]VVKMDLGLLF

ClinVar aggregate classification (germline): Uncertain significance. Review status: criteria provided, single submitter (1 of 4 stars). 2 submissions from 2 submitters: Uncertain significance (1). 1 of the submissions does not count toward it. Last evaluated 2024-01-28.

Conditions:
SEMA3E-related disorder. Also called: SEMA3E-related condition.
CHARGE syndrome (CHARGE). Also called: Hittner Hirsch Kreh syndrome; Coloboma, heart anomaly, choanal atresia, retardation, genital and ear anomalies; CHARGE association; Hall-Hittner syndrome; CHARGE ASSOCIATION--COLOBOMA, HEART ANOMALY, CHOANAL ATRESIA, RETARDATION, GENITAL AND EAR ANOMALIES. Identifiers: Orphanet 138, MedGen C0265354, MONDO:0008965.

Allele frequency attached by ClinVar (database versions not stated): TOPMed 0.00001; gnomAD 0.00002; gnomAD exomes 0.00014; ExAC 0.00017; 1000 Genomes Project 30x 0.00047; 1000 Genomes Project 0.00060.
gnomAD v4.1: 92 of 1,613,974 alleles (0.0057%); highest among the groups gnomAD compares: South Asian, 0.087%; no homozygotes.

Submissions (2):

Labcorp Genetics (formerly Invitae), Labcorp
Classification: Uncertain significance for CHARGE syndrome. Last evaluated: 2024-01-28. Review status: criteria provided, single submitter. Criteria: Invitae Variant Classification Sherloc (09022015). Collection method: clinical testing. Allele origin: germline.
Comment: This sequence change replaces arginine, which is basic and polar, with lysine, which is basic and polar, at codon 631 of the SEMA3E protein (p.Arg631Lys). This variant is present in population databases (rs553630404, gnomAD 0.1%), and has an allele count higher than expected for a pathogenic variant. This variant has not been reported in the literature in individuals affected with SEMA3E-related conditions. ClinVar contains an entry for this variant (Variation ID: 1007643). Advanced modeling of protein sequence and biophysical properties (such as structural, functional, and spatial information, amino acid conservation, physicochemical variation, residue mobility, and thermodynamic stability) performed at Invitae indicates that this missense variant is not expected to disrupt SEMA3E protein function with a negative predictive value of 80%. In summary, the available evidence is currently insufficient to determine the role of this variant in disease. Therefore, it has been classified as a Variant of Uncertain Significance.

PreventionGenetics, part of Exact Sciences
Classification: Uncertain significance for SEMA3E-related condition. Last evaluated: 2024-02-06. Review status: no assertion criteria provided. Collection method: clinical testing. Allele origin: germline. Not counted in ClinVar's aggregate classification.
Comment: The SEMA3E c.1892G>A variant is predicted to result in the amino acid substitution p.Arg631Lys. To our knowledge, this variant has not been reported in the literature. This variant is reported in 0.11% of alleles in individuals of South Asian descent in gnomAD. Although we suspect that this variant may be benign, at this time, the clinical significance of this variant is uncertain due to the absence of conclusive functional and genetic evidence.